The following is an entry in ClinVar:

ClinVar aggregate classification (germline): Uncertain significance (1 of 4 stars; one submission).

Allele frequency attached by ClinVar (database versions not stated): ExAC 0.00002; TOPMed 0.00002; gnomAD 0.00003; 1000 Genomes Project 30x 0.00016; 1000 Genomes Project 0.00020.
gnomAD v4.1: 101 of 1,613,934 alleles (0.0063%); highest among the groups gnomAD compares: Non-Finnish European, 0.008%; no homozygotes.

Submission:

GeneDx
Classification: Uncertain significance. Last evaluated: 2022-06-15. Review status: criteria provided, single submitter. Criteria: GeneDx Variant Classification Process June 2021. Collection method: clinical testing. Allele origin: germline. Affected: yes.
Comment: Not observed at significant frequency in large population cohorts (gnomAD); In silico analysis supports that this missense variant has a deleterious effect on protein structure/function; Has not been previously published as pathogenic or benign to our knowledge

NM_018451.5(CPAP):c.3505C>T (p.Arg1169Cys)

Genes: CPAP (centrosome assembly and centriole elongation protein; minus strand), RNF17 (ring finger protein 17; plus strand). Cytogenetic location: 13q12.12.
Variant type: single nucleotide variant.
Coding change: c.3505C>T on transcript NM_018451.5 (MANE Select); coding-DNA position 3505, C replaced by T.
Protein change: p.Arg1169Cys; replaces arginine 1169 with cysteine.
Molecular consequence: missense variant. On other transcripts: non-coding transcript variant (2).
Genome position (GRCh38, 1-based): chr13:24,884,436, G>A on the plus strand (C>T on the coding strand, the complement: CPAP is on the minus strand). VCF-style: chr13-24884436-G-A. GRCh37 (hg19) VCF-style: chr13-25458574-G-A.
Other names: short protein forms R1169C.
Identifiers: ClinVar variation 1804200 (VCV001804200.1), dbSNP rs571084331, ClinGen allele CA6919252.
Genomic context (GRCh38, chr13:24,884,436, plus strand): 5'-TGATGGTCTTCCCATCTGCACTCACTTCCTTTCGAGTTCCATTGGGAAACAGTATAACAC[G>A]GCACCCATTCTTATAAACCTTTTCCACCTAAAAAACCAACACAAGATTATCACCTAAGAT-3'
Protein context (NP_060921.3, residues 1159-1179): KVEKVYKNGC[Arg1169Cys]VILFPNGTRK